The following is an entry in ClinVar:

ClinVar aggregate classification (germline): Pathogenic/Likely pathogenic. Review status: criteria provided, multiple submitters, no conflicts (2 of 4 stars). 4 submissions from 4 submitters: Pathogenic (3); Likely pathogenic (1). Last evaluated 2025-04-16.

Conditions:
Neurofibromatosis, type 1 (NF1). Also called: Peripheral type neurofibromatosis; Neurofibromatosis, type I; VON RECKLINGHAUSEN DISEASE; NEUROFIBROMATOSIS, TYPE I, SOMATIC. Identifiers: Orphanet 636, MedGen C0027831, MONDO:0018975, OMIM 162200. Disease mechanism: loss of function.
Hereditary cancer-predisposing syndrome. Also called: Hereditary neoplastic syndrome; Neoplastic Syndromes, Hereditary; Hereditary Cancer Syndrome; Tumor predisposition. Identifiers: Orphanet 140162, MedGen C0027672, MeSH D009386, MONDO:0015356.
Cardiovascular phenotype. Identifiers: MedGen CN230736.

Submissions (4):

3billion
Classification: Pathogenic for Neurofibromatosis, type 1. Last evaluated: 2025-04-16. Review status: criteria provided, single submitter. Criteria: ACMG Guidelines, 2015. Collection method: clinical testing. Allele origin: germline. Affected: yes.

Ambry Genetics
Classification: Likely pathogenic for Cardiovascular phenotype; Hereditary cancer-predisposing syndrome. Last evaluated: 2024-09-24. Review status: criteria provided, single submitter. Criteria: Ambry Variant Classification Scheme 2023. Collection method: clinical testing. Allele origin: germline.
Comment: The c.7908-1G>A intronic variant results from a G to A substitution one nucleotide upstream from coding exon 54 of the NF1 gene. This alteration was identified in an individual with a clinical features of neurofibromatosis type 1 (Ho SK et al. Eur J Med Genet, 2022 Apr;65:104474). This nucleotide position is highly conserved in available vertebrate species. In silico splice site analysis predicts that this alteration will weaken the native splice acceptor site and may result in the creation or strengthening of a novel splice acceptor site. This variant is considered to be rare based on population cohorts in the Genome Aggregation Database (gnomAD). Alterations that disrupt the canonical splice site are expected to cause aberrant splicing, resulting in an abnormal protein or a transcript that is subject to nonsense-mediated mRNA decay. As such, this alteration is classified as likely pathogenic.

Illumina Laboratory Services, Illumina
Classification: Pathogenic for Neurofibromatosis, type 1. Last evaluated: 2023-05-04. Review status: criteria provided, single submitter. Criteria: ICSLVariantClassificationCriteria RUGD 01 April 2020. Collection method: clinical testing. Allele origin: unknown.
Comment: The NF1 c.7971-1G>A variant, also referred to as c.7908-1G>A, results in a substitution at the consensus splice acceptor site, which is predicted to result in splicing defects that lead to a truncated protein. This variant has been identified in an individual with a phenotype consistent with neurofibromatosis type 1 (PMID: 35240321). The c.7971-1G>A variant is not observed in version 2.1.1 or version 3.1.2 of the Genome Aggregation Database. This variant was identified in a de novo state. Based on the available evidence, the c.7971-1G>A variant is classified as pathogenic for neurofibromatosis type 1.

Labcorp Genetics (formerly Invitae), Labcorp
Classification: Pathogenic for Neurofibromatosis, type 1. Last evaluated: 2021-10-17. Review status: criteria provided, single submitter. Criteria: Invitae Variant Classification Sherloc (09022015). Collection method: clinical testing. Allele origin: germline.
Comment: This sequence change affects an acceptor splice site in intron 53 of the NF1 gene. It is expected to disrupt RNA splicing. Variants that disrupt the donor or acceptor splice site typically lead to a loss of protein function (PMID: 16199547), and loss-of-function variants in NF1 are known to be pathogenic (PMID: 10712197, 23913538). This variant is not present in population databases (ExAC no frequency). In summary, the currently available evidence indicates that the variant is pathogenic, but additional data are needed to prove that conclusively. Therefore, this variant has been classified as Likely Pathogenic. Disruption of this splice site has been observed in individual(s) with neurofibromatosis type 1 (PMID: 10712197). Algorithms developed to predict the effect of sequence changes on RNA splicing suggest that this variant may disrupt the consensus splice site.

Literature cited by the submitters: PubMed 35240321 (cited by 3 submitters); PubMed 16199547 (cited by Labcorp Genetics (formerly Invitae), Labcorp); PubMed 10712197 (cited by Labcorp Genetics (formerly Invitae), Labcorp); PubMed 23913538 (cited by Labcorp Genetics (formerly Invitae), Labcorp).

NM_001042492.3(NF1):c.7971-1G>A

Gene: NF1 (neurofibromin 1; plus strand). Cytogenetic location: 17q11.2.
Variant type: single nucleotide variant.
Coding change: c.7971-1G>A on transcript NM_001042492.3 (MANE Select); the canonical splice acceptor site of the intron before coding-DNA position 7971, G replaced by A.
Molecular consequence: splice acceptor variant.
Genome position (GRCh38, 1-based): chr17:31,358,479, G>A. VCF-style: chr17-31358479-G-A. GRCh37 (hg19) VCF-style: chr17-29685497-G-A.
Other names: c.7908-1G>A (NM_000267.4).
Identifiers: ClinVar variation 1411066 (VCV001411066.9), dbSNP rs1417908560, ClinGen allele CA399203579.